The following is an entry in ClinVar:

ClinVar aggregate classification (germline): Uncertain significance. Review status: criteria provided, multiple submitters, no conflicts (2 of 4 stars). 2 submissions from 2 submitters: Uncertain significance (2). Last evaluated 2024-08-01.

Conditions:
Deficiency of butyryl-CoA dehydrogenase (ACADSD). Also called: ACADS DEFICIENCY; ACYL-CoA DEHYDROGENASE, SHORT-CHAIN, DEFICIENCY OF; SCAD Deficiency; SCAD DEFICIENCY, MILD; SCADH DEFICIENCY; Short-Chain Acyl-CoA Dehydrogenase Deficiency. Identifiers: Orphanet 26792, MedGen C0342783, MONDO:0008722, OMIM 201470. Disease mechanism: May be benign.

Submissions (2):

Labcorp Genetics (formerly Invitae), Labcorp
Classification: Uncertain significance for Deficiency of butyryl-CoA dehydrogenase. Last evaluated: 2024-08-01. Review status: criteria provided, single submitter. Criteria: Invitae Variant Classification Sherloc (09022015). Collection method: clinical testing. Allele origin: germline.
Comment: This variant, c.944_946del, results in the deletion of 1 amino acid(s) of the ACADS protein (p.Ala315del), but otherwise preserves the integrity of the reading frame. This variant is not present in population databases (gnomAD no frequency). This variant has not been reported in the literature in individuals affected with ACADS-related conditions. ClinVar contains an entry for this variant (Variation ID: 1210802). Experimental studies and prediction algorithms are not available or were not evaluated, and the functional significance of this variant is currently unknown. In summary, the available evidence is currently insufficient to determine the role of this variant in disease. Therefore, it has been classified as a Variant of Uncertain Significance.

GeneDx
Classification: Uncertain significance. Last evaluated: 2021-11-02. Review status: criteria provided, single submitter. Criteria: GeneDx Variant Classification Process June 2021. Collection method: clinical testing. Allele origin: germline. Affected: yes.
Comment: Reported, using alternate nomenclature, in at least one patient who had an abnormal newborn screening result (Gregersen et al., 2008); Not observed in large population cohorts (Lek et al., 2016); In silico analysis, which includes protein predictors and evolutionary conservation, supports a deleterious effect; In-frame deletion of 1 amino acid in a non-repeat region; This variant is associated with the following publications: (PMID: 18836889)

NM_000017.4(ACADS):c.944_946del (p.Ala315del)

Gene: ACADS (acyl-CoA dehydrogenase short chain; plus strand). Cytogenetic location: 12q24.31.
Variant type: Deletion.
Coding change: c.944_946del on transcript NM_000017.4 (MANE Select); coding-DNA positions 944 to 946, 3 bases deleted (CAG; older notation c.944_946delCAG).
Protein change: p.Ala315del; deletes alanine 315.
Molecular consequence: inframe deletion.
Genome position (GRCh38, 1-based): chr12:120,738,830-120,738,832, CAG deleted; deleting any 3 consecutive bases within chr12:120,738,829-120,738,832 gives the same sequence; the c. name uses the placement nearest the transcript's 3' end. VCF-style (leftmost placement, unchanged base first): chr12-120738828-GGCA-G. GRCh37 (hg19) VCF-style: chr12-121176631-GGCA-G.
Other names: c.932_934del, p.Ala311del (NM_001302554.2); c.944_946delCAG (NM_000017.2); short protein forms A311del, A315del.
Identifiers: ClinVar variation 1210802 (VCV001210802.7), dbSNP rs1290727105, ClinGen allele CA684418533.
Genomic context (GRCh38, chr12:120,738,828, plus strand): 5'-GTCCCCTGGAGGGGCAGCTGCTGACCTGTGGTGTGGGGTGGGGCTATTGCAGTTCAAGTT[GGCA>G]GACATGGCCCTGGCCCTGGAGAGTGCCCGGCTGCTGACCTGGCGCGCTGCCATGCTGAAG-3'